The following is an entry in ClinVar:

NM_020964.3(EPG5):c.25C>A (p.Arg9Ser)

Gene: EPG5 (ectopic P-granules 5 autophagy tethering factor; minus strand). Cytogenetic location: 18q21.1.
Variant type: single nucleotide variant.
Coding change: c.25C>A on transcript NM_020964.3 (MANE Select); coding-DNA position 25, C replaced by A.
Protein change: p.Arg9Ser; replaces arginine 9 with serine.
Molecular consequence: missense variant.
Genome position (GRCh38, 1-based): chr18:45,967,215, G>T on the plus strand (C>A on the coding strand, the complement: EPG5 is on the minus strand). VCF-style: chr18-45967215-G-T. GRCh37 (hg19) VCF-style: chr18-43547181-G-T.
Other names: short protein forms R9S.
Identifiers: ClinVar variation 1675169 (VCV001675169.2), dbSNP rs368321414, ClinGen allele CA8950041.

ClinVar aggregate classification (germline): Uncertain significance (1 of 4 stars; one submission).

Conditions:
Vici syndrome (VICIS). Identifiers: Orphanet 1493, MedGen C1855772, MONDO:0009452, OMIM 242840.

Allele frequency attached by ClinVar (database versions not stated): gnomAD 0.00001; gnomAD exomes 0.00001; TOPMed 0.00001; ExAC 0.00002; ESP Exome Variant Server 0.00008.
gnomAD v4.1: 5 of 1,605,438 alleles (0.00031%); highest among the groups gnomAD compares: Non-Finnish European, 0.00043%; no homozygotes.

Submission:

Center for Genomics, Ann and Robert H. Lurie Children's Hospital of Chicago
Classification: Uncertain significance for Vici syndrome. Last evaluated: 2021-03-04. Review status: criteria provided, single submitter. Criteria: ACMG Guidelines, 2015. Collection method: clinical testing. Allele origin: germline.
Comment: EPG5 NM_020964.2 exon 1 p.Arg9Ser (c.25C>A): This variant has not been reported in the literature but is present in 0.002% (2/68048) of European alleles in the Genome Aggregation Database. Evolutionary conservation for this variant is limited; computational predictive tools for this variant are unclear. In summary, data on this variant is insufficient for disease classification. Therefore, the clinical significance of this variant is uncertain.